The following is an entry in ClinVar:

ClinVar aggregate classification (germline): Pathogenic (1 of 4 stars; one submission).

Conditions:
Hereditary cancer-predisposing syndrome. Also called: Neoplastic Syndromes, Hereditary; Tumor predisposition; Hereditary neoplastic syndrome; Hereditary Cancer Syndrome. Identifiers: Orphanet 140162, MedGen C0027672, MeSH D009386, MONDO:0015356.

Submission:

Ambry Genetics
Classification: Pathogenic for Hereditary cancer-predisposing syndrome. Last evaluated: 2026-08-04. Review status: criteria provided, single submitter. Criteria: Ambry Variant Classification Scheme 2023. Collection method: clinical testing. Allele origin: germline.
Comment: The c.156dupA pathogenic mutation, located in coding exon 2 of the BMPR1A gene, results from a duplication of A at nucleotide position 156, causing a translational frameshift with a predicted alternate stop codon (p.E53Rfs*18). This variant is considered to be rare based on population cohorts in the Genome Aggregation Database (gnomAD). This alteration is expected to result in loss of function by premature protein truncation or nonsense-mediated mRNA decay. As such, this alteration is interpreted as a disease-causing mutation.

NM_004329.3(BMPR1A):c.156dup (p.Glu53fs)

Gene: BMPR1A (bone morphogenetic protein receptor type 1A; plus strand). Cytogenetic location: 10q23.2.
Variant type: Duplication.
Coding change: c.156dup on transcript NM_004329.3 (MANE Select); coding-DNA position 156, one base duplicated (A; older notation c.156dupA).
Protein change: p.Glu53fs; shifts the reading frame from glutamic acid 53.
Molecular consequence: frameshift variant. On other transcripts: non-coding transcript variant (3).
Genome position (GRCh38, 1-based): chr10:86,890,150, A duplicated. VCF-style (leftmost placement, unchanged base first): chr10-86890149-C-CA. GRCh37 (hg19) VCF-style: chr10-88649906-C-CA.
Other names: c.156dup, p.Glu53fs (NM_001406582.1, NM_001406583.1, NM_001406589.1 and 23 more transcripts); c.72dup, p.Glu25fs (NM_001406584.1, NM_001406585.1, NM_001406586.1 and 2 more transcripts); c.156dupA (NM_004329.2); short protein forms E25fs, E53fs.
Identifiers: ClinVar variation 5033035 (VCV005033035.1).